The following is an entry in ClinVar:

ClinVar aggregate classification (germline): Uncertain significance (1 of 4 stars; one submission).

Submission:

GeneDx
Classification: Uncertain significance. Last evaluated: 2023-02-08. Review status: criteria provided, single submitter. Criteria: GeneDx Variant Classification Process June 2021. Collection method: clinical testing. Allele origin: germline. Affected: yes.
Comment: Not observed at significant frequency in large population cohorts (gnomAD); In silico analysis supports that this missense variant does not alter protein structure/function; Has not been previously published as pathogenic or benign to our knowledge

NM_031407.7(HUWE1):c.7807C>G (p.Arg2603Gly)

Gene: HUWE1 (HECT, UBA and WWE domain containing E3 ubiquitin protein ligase 1; minus strand). Cytogenetic location: Xp11.22.
Variant type: single nucleotide variant.
Coding change: c.7807C>G on transcript NM_031407.7 (MANE Select); coding-DNA position 7807, C replaced by G.
Protein change: p.Arg2603Gly; replaces arginine 2603 with glycine.
Molecular consequence: missense variant.
Genome position (GRCh38, 1-based): chrX:53,559,462, G>C on the plus strand (C>G on the coding strand, the complement: HUWE1 is on the minus strand). VCF-style: chrX-53559462-G-C. GRCh37 (hg19) VCF-style: chrX-53586423-G-C.
Other names: short protein forms R2603G.
Identifiers: ClinVar variation 2575560 (VCV002575560.1), dbSNP rs2523871438, ClinGen allele CA413153711.